The following is an entry in ClinVar:

ClinVar aggregate classification (germline): Uncertain significance. Review status: criteria provided, multiple submitters, no conflicts (2 of 4 stars). 3 submissions from 3 submitters: Uncertain significance (3). Last evaluated 2022-04-16.

Conditions:
Fructose-biphosphatase deficiency (FBP1D). Also called: Fructose 1,6 Bisphosphatase Deficiency; Fructose-1,6-Bisphosphatase 1 Deficiency; Fructose-1,6-Diphosphatase Deficiency. Identifiers: Orphanet 348, MedGen C0016756, MONDO:0009251, OMIM 229700.

Allele frequency attached by ClinVar (database versions not stated): gnomAD exomes 0.00001 and 0.00005; gnomAD 0.00002; TOPMed 0.00003; ExAC 0.00007.
gnomAD v4.1: 22 of 1,613,846 alleles (0.0014%); highest among the groups gnomAD compares: East Asian, 0.029%; no homozygotes.

Submissions (3):

Labcorp Genetics (formerly Invitae), Labcorp
Classification: Uncertain significance for Fructose-biphosphatase deficiency. Last evaluated: 2022-04-16. Review status: criteria provided, single submitter. Criteria: Invitae Variant Classification Sherloc (09022015). Collection method: clinical testing. Allele origin: germline.
Comment: This sequence change replaces tyrosine, which is neutral and polar, with histidine, which is basic and polar, at codon 241 of the FBP1 protein (p.Tyr241His). This variant is present in population databases (rs757338386, gnomAD 0.05%). This variant has not been reported in the literature in individuals affected with FBP1-related conditions. ClinVar contains an entry for this variant (Variation ID: 913515). Advanced modeling of protein sequence and biophysical properties (such as structural, functional, and spatial information, amino acid conservation, physicochemical variation, residue mobility, and thermodynamic stability) performed at Invitae indicates that this missense variant is expected to disrupt FBP1 protein function. In summary, the available evidence is currently insufficient to determine the role of this variant in disease. Therefore, it has been classified as a Variant of Uncertain Significance.

Illumina Laboratory Services, Illumina
Classification: Uncertain significance for Fructose-biphosphatase deficiency. Last evaluated: 2018-01-12. Review status: criteria provided, single submitter. Criteria: ICSL Variant Classification Criteria 13 December 2019. Collection method: clinical testing. Allele origin: germline.

Juno Genomics, Hangzhou Juno Genomics, Inc
Classification: Uncertain significance for Fructose-biphosphatase deficiency. Review status: criteria provided, single submitter. Criteria: ACMG Guidelines, 2015. Collection method: clinical testing. Allele origin: germline.
Comment: Absent from controls (or at extremely low frequency if recessive) in Genome Aggregation Database.;Multiple lines of computational evidence support a deleterious effect on the gene or gene product.

NM_000507.4(FBP1):c.721T>C (p.Tyr241His)

Gene: FBP1 (fructose-bisphosphatase 1; minus strand). Cytogenetic location: 9q22.32.
Variant type: single nucleotide variant.
Coding change: c.721T>C on transcript NM_000507.4 (MANE Select); coding-DNA position 721, T replaced by C.
Protein change: p.Tyr241His; replaces tyrosine 241 with histidine.
Molecular consequence: missense variant.
Genome position (GRCh38, 1-based): chr9:94,605,561, A>G on the plus strand (T>C on the coding strand, the complement: FBP1 is on the minus strand). VCF-style: chr9-94605561-A-G. GRCh37 (hg19) VCF-style: chr9-97367843-A-G.
Other names: c.721T>C, p.Tyr241His (NM_001127628.2); short protein forms Y241H.
Identifiers: ClinVar variation 913515 (VCV000913515.7), dbSNP rs757338386, ClinGen allele CA5136140.